The following is an entry in ClinVar:

NM_002691.4(POLD1):c.1893-7A>C

Gene: POLD1 (DNA polymerase delta 1, catalytic subunit; plus strand). Cytogenetic location: 19q13.33.
Variant type: single nucleotide variant.
Coding change: c.1893-7A>C on transcript NM_002691.4 (MANE Select); 7 bases into the intron before coding-DNA position 1893, A replaced by C.
Molecular consequence: intron variant.
Genome position (GRCh38, 1-based): chr19:50,409,115, A>C. VCF-style: chr19-50409115-A-C. GRCh37 (hg19) VCF-style: chr19-50912372-A-C.
Other names: c.1893-7A>C (NM_001256849.1); c.1971-7A>C (NM_001308632.1).
Identifiers: ClinVar variation 682302 (VCV000682302.9), dbSNP rs200049500, ClinGen allele CA9596318.

ClinVar aggregate classification (germline): Likely benign. Review status: criteria provided, multiple submitters, no conflicts (2 of 4 stars). 2 submissions from 2 submitters: Likely benign (2). Last evaluated 2025-12-02.

Conditions:
POLD1-related polyposis and colorectal cancer syndrome (CRCS10). Also called: Colorectal cancer, susceptibility to, 10; Colorectal cancer 10; COLORECTAL CANCER, SUSCEPTIBILITY TO, ON CHROMOSOME 19q. Identifiers: Orphanet 220460, MedGen C2675481, MONDO:0012953, OMIM 612591.

gnomAD v4.1: 1 of 1,601,628 alleles (0.000062%); highest among the groups gnomAD compares: Non-Finnish European, 0.000086%; no homozygotes.

Submissions (2):

Labcorp Genetics (formerly Invitae), Labcorp
Classification: Likely benign for POLD1-related polyposis and colorectal cancer syndrome. Last evaluated: 2025-12-02. Review status: criteria provided, single submitter. Criteria: Invitae Variant Classification Sherloc (09022015). Collection method: clinical testing. Allele origin: germline.

GeneDx
Classification: Likely benign. Last evaluated: 2018-04-18. Review status: criteria provided, single submitter. Criteria: GeneDx Variant Classification (06012015). Collection method: clinical testing. Allele origin: germline. Affected: yes.
Comment: This variant is considered likely benign or benign based on one or more of the following criteria: it is a conservative change, it occurs at a poorly conserved position in the protein, it is predicted to be benign by multiple in silico algorithms, and/or has population frequency not consistent with disease.